The following is an entry in ClinVar:

NM_007294.4(BRCA1):c.5283C>T (p.Phe1761=)

Gene: BRCA1 (BRCA1 DNA repair associated; minus strand). Cytogenetic location: 17q21.31.
Variant type: single nucleotide variant.
Coding change: c.5283C>T on transcript NM_007294.4 (MANE Select); coding-DNA position 5283, C replaced by T.
Protein change: p.Phe1761=; no amino-acid change (phenylalanine 1761 retained).
Molecular consequence: synonymous variant. On other transcripts: intron variant (2).
Genome position (GRCh38, 1-based): chr17:43,051,112, G>A on the plus strand (C>T on the coding strand, the complement: BRCA1 is on the minus strand). VCF-style: chr17-43051112-G-A. GRCh37 (hg19) VCF-style: chr17-41203129-G-A.
Other names: c.5070C>T, p.Phe1690= (NM_001407571.1, NM_001407894.1, NM_001407895.1 and 12 more transcripts); c.5349C>T, p.Phe1783= (NM_001407581.1, NM_001407582.1); c.5346C>T, p.Phe1782= (NM_001407583.1, NM_001407585.1, NM_001407587.1 and 1 more transcripts); c.5343C>T, p.Phe1781= (NM_001407590.1, NM_001407591.1); c.5283C>T, p.Phe1761= (NM_001407593.1, NM_001407594.1, NM_001407596.1 and 6 more transcripts); c.5280C>T, p.Phe1760= (NM_001407610.1, NM_001407611.1, NM_001407612.1 and 17 more transcripts); c.5277C>T, p.Phe1759= (NM_001407627.1, NM_001407628.1, NM_001407629.1 and 14 more transcripts); c.5274C>T, p.Phe1758= (NM_001407644.1, NM_001407645.1); and 74 more.
Identifiers: ClinVar variation 867345 (VCV000867345.3), dbSNP rs2051212831, ClinGen allele CA500143603.

Conditions:
Breast-ovarian cancer, familial, susceptibility to, 1 (BROVCA1). Also called: BRCA1 Hereditary Breast and Ovarian Cancer; OVARIAN CANCER, SUSCEPTIBILITY TO. Identifiers: Orphanet 145, MedGen C2676676, MONDO:0011450, OMIM 604370. Disease mechanism: loss of function.

Submission:

Brotman Baty Institute, University of Washington
No classification provided (evidence only). Condition: Breast-ovarian cancer, familial 1. Review status: no classification provided. Collection method: in vitro. Allele origin: not applicable. Functional consequence: functionally_normal.
ClinVar note: "not provided" was previously submitted as the classification for the variant. However, the classification appeared to be based only on an observation of functional data so it was converted to no classification on 2025-07-30.